The following is an entry in ClinVar:

ClinVar aggregate classification (germline): Likely benign (1 of 4 stars; one submission).

Allele frequency attached by ClinVar (database versions not stated): gnomAD 0.00002 and 0.00003; TOPMed 0.00003; 1000 Genomes Project 30x 0.00016.
gnomAD v4.1: 4 of 152,314 alleles (0.0026%); highest among the groups gnomAD compares: Non-Finnish European, 0.0059%; no homozygotes.

Submission:

GeneDx
Classification: Likely benign. Last evaluated: 2017-03-15. Review status: criteria provided, single submitter. Criteria: GeneDx Variant Classification (06012015). Collection method: clinical testing. Allele origin: germline. Affected: yes.
Comment: This variant is considered likely benign or benign based on one or more of the following criteria: it is a conservative change, it occurs at a poorly conserved position in the protein, it is predicted to be benign by multiple in silico algorithms, and/or has population frequency not consistent with disease.

NM_004329.3(BMPR1A):c.-262T>C

Gene: BMPR1A (bone morphogenetic protein receptor type 1A; plus strand). Cytogenetic location: 10q23.2.
Variant type: single nucleotide variant.
Coding change: c.-262T>C on transcript NM_004329.3 (MANE Select); 262 bases upstream of the start codon, T replaced by C.
Molecular consequence: 5 prime UTR variant.
Genome position (GRCh38, 1-based): chr10:86,838,870, T>C. VCF-style: chr10-86838870-T-C. GRCh37 (hg19) VCF-style: chr10-88598627-T-C.
Identifiers: ClinVar variation 377562 (VCV000377562.1), dbSNP rs925994606, ClinGen allele CA16606717.